The following is an entry in ClinVar:

NC_012920.1(MT-TW):m.5554C>A

Gene: MT-TW (mitochondrially encoded tRNA tryptophan; plus strand).
Variant type: single nucleotide variant.
Genome position: chrM-5554-C-A.
Identifiers: ClinVar variation 689939 (VCV000689939.1), dbSNP rs1603220020, ClinGen allele CA913179843.
Genomic context (GRCh38, chrMT:5,554, plus strand): 5'-TTATACTAATAATCTTATAGAAATTTAGGTTAAATACAGACCAAGAGCCTTCAAAGCCCT[C>A]AGTAAGTTGCAATACTTAATTTCTGTAACAGCTAAGGACTGCAAAACCCCACTCTGCATC-3'

ClinVar aggregate classification (germline): Benign (1 of 4 stars; one submission).

Conditions:
MELAS syndrome (MELAS). Also called: Juvenile myopathy, encephalopathy, lactic acidosis, stroke. Identifiers: Orphanet 550, MedGen C0162671, MONDO:0010789, OMIM 540000.

Submission:

Wong Mito Lab, Molecular and Human Genetics, Baylor College of Medicine
Classification: Benign for MELAS syndrome. Last evaluated: 2019-07-12. Review status: criteria provided, single submitter. Criteria: Modified ACMG Guidelines (Unpublished). Collection method: clinical testing. Allele origin: germline.
Comment: The NC_012920.1:m.5554C>A variant in MT-TW gene is interpreted to be a Benign variant based on the modified ACMG guidelines (unpublished). This variant meets the following evidence codes reported in the guidelines: BS1, BS2, BP4

Literature cited by the submitters: PubMed 31965079.